The following is an entry in ClinVar:

NM_004698.4(PRPF3):c.1164G>A (p.Glu388=)

Gene: PRPF3 (pre-mRNA processing factor 3; plus strand). Cytogenetic location: 1q21.2.
Variant type: single nucleotide variant.
Coding change: c.1164G>A on transcript NM_004698.4 (MANE Select); coding-DNA position 1164, G replaced by A.
Protein change: p.Glu388=; no amino-acid change (glutamic acid 388 retained).
Molecular consequence: synonymous variant. On other transcripts: non-coding transcript variant (4).
Genome position (GRCh38, 1-based): chr1:150,338,288, G>A. VCF-style: chr1-150338288-G-A. GRCh37 (hg19) VCF-style: chr1-150310764-G-A.
Other names: c.759G>A, p.Glu253= (NM_001350529.1).
Identifiers: ClinVar variation 2115319 (VCV002115319.4), dbSNP rs2525167029, ClinGen allele CA420686186.
Genomic context (GRCh38, chr1:150,338,288, plus strand): 5'-TAGGCTTGCCCTCATTGCTCCTAAGAAGGAGCTAAAGGAAGGAGATATTCCTGAAATTGA[G>A]TGGTGGGACTCTTACATAATCCCCAATGGCTTTGATCTGTGAGTTTGTTTTAGTACCTTT-3'
Protein context (NP_004689.1, residues 378-398): ELKEGDIPEI[Glu388=]WWDSYIIPNG

ClinVar aggregate classification (germline): Uncertain significance (1 of 4 stars; one submission).

Allele frequency attached by ClinVar (database versions not stated): gnomAD exomes below 0.00001.
gnomAD v4.1: 2 of 1,614,094 alleles (0.00012%); highest among the groups gnomAD compares: South Asian, 0.0011%; no homozygotes.

Submission:

Labcorp Genetics (formerly Invitae), Labcorp
Classification: Uncertain significance. Last evaluated: 2022-03-27. Review status: criteria provided, single submitter. Criteria: Invitae Variant Classification Sherloc (09022015). Collection method: clinical testing. Allele origin: germline.
Comment: In summary, the available evidence is currently insufficient to determine the role of this variant in disease. Therefore, it has been classified as a Variant of Uncertain Significance. Algorithms developed to predict the effect of sequence changes on RNA splicing suggest that this variant may create or strengthen a splice site. This variant has not been reported in the literature in individuals affected with PRPF3-related conditions. This variant is not present in population databases (gnomAD no frequency). This sequence change affects codon 388 of the PRPF3 mRNA. It is a 'silent' change, meaning that it does not change the encoded amino acid sequence of the PRPF3 protein.